The following is an entry in ClinVar:

ClinVar aggregate classification (germline): Uncertain significance (1 of 4 stars; one submission).

Allele frequency attached by ClinVar (database versions not stated): gnomAD exomes below 0.00001; gnomAD 0.00003; TOPMed 0.00005.
gnomAD v4.1: 8 of 1,580,862 alleles (0.00051%); highest among the groups gnomAD compares: African/African-American, 0.0095%; no homozygotes.

Submission:

Labcorp Genetics (formerly Invitae), Labcorp
Classification: Uncertain significance. Last evaluated: 2022-05-30. Review status: criteria provided, single submitter. Criteria: Invitae Variant Classification Sherloc (09022015). Collection method: clinical testing. Allele origin: germline.
Comment: In summary, the available evidence is currently insufficient to determine the role of this variant in disease. Therefore, it has been classified as a Variant of Uncertain Significance. Algorithms developed to predict the effect of missense changes on protein structure and function are either unavailable or do not agree on the potential impact of this missense change (SIFT: "Deleterious"; PolyPhen-2: "Possibly Damaging"; Align-GVGD: "Class C0"). This variant has not been reported in the literature in individuals affected with LARP7-related conditions. This variant is present in population databases (no rsID available, gnomAD 0.01%). This sequence change replaces lysine, which is basic and polar, with arginine, which is basic and polar, at codon 360 of the LARP7 protein (p.Lys360Arg).

NM_016648.4(LARP7):c.1079A>G (p.Lys360Arg)

Genes: LARP7 (La ribonucleoprotein 7, transcriptional regulator; plus strand), MIR302CHG (miR-302/367 cluster host gene; minus strand). Cytogenetic location: 4q25.
Variant type: single nucleotide variant.
Coding change: c.1079A>G on transcript NM_016648.4 (MANE Select); coding-DNA position 1079, A replaced by G.
Protein change: p.Lys360Arg; replaces lysine 360 with arginine.
Molecular consequence: missense variant.
Genome position (GRCh38, 1-based): chr4:112,647,771, A>G. VCF-style: chr4-112647771-A-G. GRCh37 (hg19) VCF-style: chr4-113568927-A-G.
Other names: c.1079A>G, p.Lys360Arg (NM_001267039.4, NM_001370978.1, NM_015454.3); c.1118A>G, p.Lys373Arg (NM_001370974.1, NM_001370975.1); c.1115A>G, p.Lys372Arg (NM_001370976.1, NM_001370977.1); c.1076A>G, p.Lys359Arg (NM_001370979.1, NM_001370980.1); c.842A>G, p.Lys281Arg (NM_001370981.1, NM_001370982.1); short protein forms K281R, K360R, K372R, K373R, K359R.
Identifiers: ClinVar variation 1964681 (VCV001964681.5), dbSNP rs975850028, ClinGen allele CA103807095.
Genomic context (GRCh38, chr4:112,647,771, plus strand): 5'-AGGAAAAGGATACTGGAGATCTAAAAGATAGCTCTCTCTTGAAAACAAAAAGGAAACATA[A>G]GAAAAAACATAAAGAGAGACATAAAATGGGAGAAGAAGTTATACCATTAAGAGTGCTATC-3'
Protein context (NP_057732.2, residues 350-370): SSLLKTKRKH[Lys360Arg]KKHKERHKMG